The following is an entry in ClinVar:

NM_000492.4(CFTR):c.1516ATC[1] (p.Ile507del)

Genes: CFTR (CF transmembrane conductance regulator; plus strand), CFTR-AS1 (CFTR antisense RNA 1; minus strand). Cytogenetic location: 7q31.2.
Variant type: Microsatellite.
Coding change: c.1516ATC[1] on transcript NM_000492.4 (MANE Select); one copy of the 3-base unit ATC starting at c.1516; the reference has two copies in a row; one copy, 3 bases deleted; also written c.1519_1521del.
Protein change: p.Ile507del; deletes isoleucine 507.
Molecular consequence: inframe deletion.
Genome position (GRCh38, 1-based): chr7:117,559,590-117,559,592, ATC deleted; deleting any 3 consecutive bases within chr7:117,559,587-117,559,592 gives the same sequence; the position shown is the placement nearest the transcript's 3' end. VCF-style (leftmost placement, unchanged base first): chr7-117559586-TATC-T. GRCh37 (hg19) VCF-style: chr7-117199640-TATC-T.
Other names: deltaI507; DI507; Ile507del; DeltaI507; c.1519_1521del (NM_000492.4); c.1519_1521delATC (NM_000492.3); short protein forms I507del.
Identifiers: ClinVar variation 7106 (VCV000007106.151), dbSNP rs121908745, ClinGen allele CA340628.
Genomic context (GRCh38, chr7:117,559,586, plus strand): 5'-TGGAAGAATTTCATTCTGTTCTCAGTTTTCCTGGATTATGCCTGGCACCATTAAAGAAAA[TATC>T]ATCTTTGGTGTTTCCTATGATGAATATAGATACAGAAGCGTCATCAAAGCATGCCAACTA-3'

ClinVar aggregate classification (germline): Pathogenic. Review status: practice guideline (4 of 4 stars). 34 submissions from 33 submitters: Pathogenic (1). 33 of the submissions do not count toward it. Last evaluated 2004-03-03.

Conditions:
CFTR-related disorder (CFTR-RD). Also called: CFTR-related condition; CFTR-related disorders. Identifiers: MedGen C5924204, MONDO:7770004.
Cystic fibrosis (CF). Also called: MUCOVISCIDOSIS. Identifiers: Orphanet 586, MedGen C0010674, MONDO:0009061, OMIM 219700. Disease mechanism: loss of function.
Congenital bilateral aplasia of vas deferens from CFTR mutation (CBAVD). Identifiers: Orphanet 48, MedGen C0403814, MONDO:0010178, OMIM 277180. Disease mechanism: loss of function.
Hereditary pancreatitis (PCTT). Also called: PRSS1-Related Hereditary Pancreatitis; Hereditary chronic pancreatitis. Identifiers: Orphanet 676, MedGen C0238339, MONDO:0008185, OMIM 167800.
Bronchiectasis with or without elevated sweat chloride 1 (BESC1). Also called: Cystic Fibrosis-Like Syndrome. Identifiers: Orphanet 60033, MedGen C2749757, MONDO:0008887, OMIM 211400.

Submissions 1 to 11 of 34:

American College of Medical Genetics and Genomics  (ACMG)
Classification: Pathogenic for Cystic fibrosis. Last evaluated: 2004-03-03. Review status: practice guideline. Criteria: Guideline for cystic fibrosis carrier screening. Collection method: curation. Allele origin: germline. Inheritance: Autosomal recessive inheritance. Study: The ACMG recommended carrier screening panel.
ClinVar note: Converted during submission from pathogenic to Pathogenic.

CFTR2
Classification: Pathogenic for Cystic fibrosis. Last evaluated: 2017-03-17. Review status: reviewed by expert panel. Criteria: Sosnay PR et al. (Nat Genet 2013). Collection method: research. Allele origin: germline. Affected: yes. Study: CFTR2. Not counted in ClinVar's aggregate classification.

Institute of Human Genetics, University of Leipzig Medical Center
Classification: Pathogenic for Cystic fibrosis. Last evaluated: 2026-05-18. Review status: criteria provided, single submitter. Criteria: ACMG Guidelines, 2015. Collection method: clinical testing. Allele origin: unknown. Inheritance: Autosomal recessive inheritance. Affected: yes. Not counted in ClinVar's aggregate classification.
Comment: Criteria applied: PM3_VSTR,PS3,PM4,PM2_SUP,PP4

PreventionGenetics, part of Exact Sciences
Classification: Likely pathogenic for CFTR-related condition. Last evaluated: 2026-03-03. Review status: criteria provided, single submitter. Criteria: ACMG Guidelines, 2015. Collection method: clinical testing. Allele origin: germline. Not counted in ClinVar's aggregate classification.
Comment: The CFTR c.1519_1521delATC variant is predicted to result in an in-frame deletion (p.Ile507del). This is a well-established pathogenic variant (ClinVar Variation ID: 7106﻿) that is included in the American College of Medical Genetics (ACMG) panel of definitive pathogenic cystic fibrosis variants (Watson et al. 2004. PubMed ID:15371902). This variant is reported in 0.016% of alleles in individuals of African descent in gnomAD. We interpret this variant as pathogenic.

Labcorp Genetics (formerly Invitae), Labcorp
Classification: Pathogenic for Cystic fibrosis. Last evaluated: 2026-01-05. Review status: criteria provided, single submitter. Criteria: Invitae Variant Classification Sherloc (09022015). Collection method: clinical testing. Allele origin: germline. Not counted in ClinVar's aggregate classification.
Comment: This variant, c.1519_1521del, results in the deletion of 1 amino acid(s) of the CFTR protein (p.Ile507del), but otherwise preserves the integrity of the reading frame. This variant is present in population databases (rs763199062, gnomAD 0.01%). This variant has been observed in individuals with cystic fibrosis (CF) (PMID: 15371902, 23974870). ClinVar contains an entry for this variant (Variation ID: 7106). For these reasons, this variant has been classified as Pathogenic.

3billion
Classification: Pathogenic for Cystic fibrosis. Last evaluated: 2025-12-30. Review status: criteria provided, single submitter. Criteria: ACMG Guidelines, 2015. Collection method: clinical testing. Allele origin: germline. Affected: yes. Not counted in ClinVar's aggregate classification.
Comment: The variant is observed at an extremely low frequency in the gnomAD v4.1.0 dataset (total allele frequency: 0.008%). Predicted Consequence/Location: Inframe deletion located in a nonrepeat region: predicted to change the length of the protein and disrupt normal protein function. The variant has been reported multiple times as an established pathogenic variant (ClinVar ID: VCV000007106 /PMID: 2236053). Therefore, this variant is classified as Pathogenic according to the recommendation of ACMG/AMP guideline.

Natera, Inc.
Classification: Pathogenic for CFTR-related disorders. Last evaluated: 2025-10-27. Review status: criteria provided, single submitter. Criteria: Natera Variant Classification Schema (03/2026). Collection method: clinical testing. Allele origin: germline. Not counted in ClinVar's aggregate classification.
Comment: The c.1519_1521delATC variant in CFTR is an in-frame deletion predicted to remove isoleucine at amino acid 507 while preserving the reading frame. This variant is rare in the general population with a frequency below the threshold expected for the associated phenotype(s). This variant has been observed in one or more individuals affected with the associated recessive disease, as either homozygous or compound heterozygous with a second variant (PMID: 23687349, 22035343, 28811149). Given the available evidence, this variant is classified as Pathogenic.

Revvity Omics, Revvity
Classification: Pathogenic. Last evaluated: 2025-08-06. Review status: criteria provided, single submitter. Criteria: ACMG Guidelines, 2015. Collection method: clinical testing. Allele origin: germline. Not counted in ClinVar's aggregate classification.

Dasa
Classification: Pathogenic. Last evaluated: 2025-06-19. Review status: criteria provided, single submitter. Criteria: DASA Assertion Criteria. Collection method: clinical testing. Allele origin: germline. Not counted in ClinVar's aggregate classification.
Comment: NM_000492.4(CFTR):c.1519_1521del (p.Ile507del) is a sequence variant. This variant has been observed in affected individuals with related phenotype in a genotype context consistent with recessive disease (PMID: 15371902; PMID: 23974870; PMID: 21147553; PMID: 7562977; PMID: 8092189). Functional evidence supports a deleterious effect on the gene or gene product (PMID: 15371902; PMID: 23974870; PMID: 21147553; PMID: 7562977; PMID: 8092189). This variant has been recurrently observed in individuals with related phenotype (PMID: 15371902; PMID: 23974870; PMID: 21147553; PMID: 7562977; PMID: 8092189). Segregation evidence has been reported in affected families. The variant is present at low frequency in population datasets. Based on the available data, this variant is classified as pathogenic.

Ambry Genetics
Classification: Pathogenic for Cystic fibrosis. Last evaluated: 2025-06-18. Review status: criteria provided, single submitter. Criteria: Ambry Variant Classification Scheme 2023. Collection method: clinical testing. Allele origin: germline. Not counted in ClinVar's aggregate classification.
Comment: The c.1519_1521delATC pathogenic mutation (also known as p.I507del) is located in coding exon 11 of the CFTR gene. This pathogenic mutation results from an in-frame ATC deletion at nucleotide positions 1519 to 1521. This results in the in-frame deletion of an isoleucine at codon 507. This variant was first reported in trans with p.F508del in an individual diagnosed with cystic fibrosis (Kerem BS et al. Proc. Natl. Acad. Sci. U.S.A., 1990 Nov;87:8447-51). This variant is associated with elevated sweat chloride levels, lung disease, pancreatic insufficiency, and Pseudomonas infection; in vitro functional studies showed this mutation results in significantly reduced chloride conductance (Sosnay PR et al. Nat. Genet., 2013 Oct;45:1160-7). Based on the supporting evidence, this alteration is interpreted as a disease-causing mutation.

Rady Children's Institute for Genomic Medicine, Rady Children's Hospital San Diego
Classification: Pathogenic for CFTR-related disorders. Last evaluated: 2025-06-03. Review status: criteria provided, single submitter. Criteria: ACMG Guidelines, 2015. Collection method: clinical testing. Allele origin: germline. Affected: yes. Not counted in ClinVar's aggregate classification.
Comment: This 3-base pair in-frame deletion variant found in exon 11 of 27 leads to the loss of one amino acid residue but preserves the reading frame. This is a known Pathogenic variant that has been previously reported in about 1.6% of cystic fibrosis alleles (PMID: 12767731) and is currently present in 861 patients within the CFTR2 database. This variant is associated with a classic, pancreatic insufficient phenotype of cystic fibrosis when in homozygosity or when in trans with another severe CFTR allele (PMID: 23974870). Functional studies demonstrated this variant leads to loss of CFTR protein production (PMID: 23974870, 36759923). The c.1519_1521del (p.Ile507del) variant is present in the latest version of the gnomAD population database at an allele frequency of 0.008% (129/1612720) and thus is presumed to be rare. Based on the available evidence, c.1519_1521del (p.Ile507del) is classified as Pathogenic.